The following is an entry in ClinVar:

ClinVar aggregate classification (germline): Likely benign (0 of 4 stars; one submission).

Conditions:
NPHP4-related disorder. Also called: NPHP4-related condition; NPHP4-related disorders. Identifiers: MedGen CN239384.

gnomAD v4.1: 11 of 1,613,904 alleles (0.00068%); highest among the groups gnomAD compares: African/African-American, 0.015%; no homozygotes.

Submission:

PreventionGenetics, part of Exact Sciences
Classification: Likely benign for NPHP4-related condition. Last evaluated: 2024-06-26. Review status: no assertion criteria provided. Collection method: clinical testing. Allele origin: germline.
Comment: This variant is classified as likely benign based on ACMG/AMP sequence variant interpretation guidelines (Richards et al. 2015 PMID: 25741868, with internal and published modifications).

NM_015102.5(NPHP4):c.4092G>A (p.Leu1364=)

Gene: NPHP4 (nephrocystin 4; minus strand). Cytogenetic location: 1p36.31.
Variant type: single nucleotide variant.
Coding change: c.4092G>A on transcript NM_015102.5 (MANE Select); coding-DNA position 4092, G replaced by A.
Protein change: p.Leu1364=; no amino-acid change (leucine 1364 retained).
Molecular consequence: synonymous variant. On other transcripts: non-coding transcript variant (1).
Genome position (GRCh38, 1-based): chr1:5,863,938, C>T on the plus strand (G>A on the coding strand, the complement: NPHP4 is on the minus strand). VCF-style: chr1-5863938-C-T. GRCh37 (hg19) VCF-style: chr1-5923998-C-T.
Other names: c.2553G>A, p.Leu851= (NM_001291593.2); c.2556G>A, p.Leu852= (NM_001291594.2).
Identifiers: ClinVar variation 3356916 (VCV003356916.1).
Genomic context (GRCh38, chr1:5,863,938, plus strand): 5'-GCCCCACCACACCTGGAAGGAGTCCTCTCTGAACCGCAGCAGCTCCGGGTGGTCGCTGTG[C>T]AGGTGGAATGTCCTCCGGGAGGGGTAGGGGTTGGTGTAGGTGATCCTCTTGTTGACACCC-3'
Protein context (NP_055917.1, residues 1354-1374): NPYPSRRTFH[Leu1364=]HSDHPELLRF